The following is an entry in ClinVar:

ClinVar aggregate classification (germline): Uncertain significance (1 of 4 stars; one submission).

Conditions:
Alstrom syndrome (ALMS). Identifiers: Orphanet 64, MedGen C0268425, MONDO:0008763, OMIM 203800.

gnomAD v4.1: 32 of 1,614,054 alleles (0.002%); highest among the groups gnomAD compares: Non-Finnish European, 0.0026%; no homozygotes.

Submission:

Labcorp Genetics (formerly Invitae), Labcorp
Classification: Uncertain significance for Alstrom syndrome. Last evaluated: 2024-11-24. Review status: criteria provided, single submitter. Criteria: Invitae Variant Classification Sherloc (09022015). Collection method: clinical testing. Allele origin: germline.
Comment: This sequence change replaces lysine, which is basic and polar, with threonine, which is neutral and polar, at codon 3443 of the ALMS1 protein (p.Lys3443Thr). This variant is present in population databases (no rsID available, gnomAD 0.002%). This variant has not been reported in the literature in individuals affected with ALMS1-related conditions. Experimental studies and prediction algorithms are not available or were not evaluated, and the functional significance of this variant is currently unknown. In summary, the available evidence is currently insufficient to determine the role of this variant in disease. Therefore, it has been classified as a Variant of Uncertain Significance.

NM_001378454.1(ALMS1):c.10325A>C (p.Lys3442Thr)

Gene: ALMS1 (ALMS1 centrosome and basal body associated protein; plus strand). Cytogenetic location: 2p13.1.
Variant type: single nucleotide variant.
Coding change: c.10325A>C on transcript NM_001378454.1 (MANE Select); coding-DNA position 10325, A replaced by C.
Protein change: p.Lys3442Thr; replaces lysine 3442 with threonine.
Molecular consequence: missense variant.
Genome position (GRCh38, 1-based): chr2:73,559,083, A>C. VCF-style: chr2-73559083-A-C. GRCh37 (hg19) VCF-style: chr2-73786210-A-C.
Other names: c.10328A>C, p.Lys3443Thr (NM_015120.4); short protein forms K3442T, K3443T.
Identifiers: ClinVar variation 3704565 (VCV003704565.2).